The following is an entry in ClinVar:

ClinVar aggregate classification (germline): Conflicting classifications of pathogenicity. Review status: criteria provided, conflicting classifications (1 of 4 stars). 3 submissions from 3 submitters: Uncertain significance (1); Benign (2). Last evaluated 2025-09-26.

Conditions:
Inborn genetic diseases. Identifiers: MedGen C0950123, MeSH D030342.

Allele frequency attached by ClinVar (database versions not stated): 1000 Genomes Project 30x 0.00172; 1000 Genomes Project 0.00200; TOPMed 0.00011; gnomAD 0.00032 and 0.00004; gnomAD exomes 0.00063 and 0.00132; ExAC 0.00144.
gnomAD v4.1: 968 of 1,614,130 alleles (0.06%); highest among the groups gnomAD compares: South Asian, 1%; 8 homozygotes.

Submissions (3):

Mayo Clinic Laboratories, Mayo Clinic
Classification: Benign. Last evaluated: 2025-09-26. Review status: criteria provided, single submitter. Criteria: ACMG Guidelines, 2015. Collection method: clinical testing. Allele origin: germline. Observed: 1 variant allele.
Comment: BA1, BS2, BP4

Ambry Genetics
Classification: Uncertain significance for Inborn genetic diseases. Last evaluated: 2024-12-05. Review status: criteria provided, single submitter. Criteria: Ambry Variant Classification Scheme 2023. Collection method: clinical testing. Allele origin: germline.

Labcorp Genetics (formerly Invitae), Labcorp
Classification: Benign. Last evaluated: 2024-08-30. Review status: criteria provided, single submitter. Criteria: Invitae Variant Classification Sherloc (09022015). Collection method: clinical testing. Allele origin: germline.

NM_001510.4(GRID2):c.290T>C (p.Ile97Thr)

Gene: GRID2 (glutamate ionotropic receptor delta type subunit 2; plus strand). Cytogenetic location: 4q22.2.
Variant type: single nucleotide variant.
Coding change: c.290T>C on transcript NM_001510.4 (MANE Select); coding-DNA position 290, T replaced by C.
Protein change: p.Ile97Thr; replaces isoleucine 97 with threonine.
Molecular consequence: missense variant. On other transcripts: intron variant (1).
Genome position (GRCh38, 1-based): chr4:93,085,040, T>C. VCF-style: chr4-93085040-T-C. GRCh37 (hg19) VCF-style: chr4-94006191-T-C.
Other names: p.Ile97Thr; c.290T>C (NM_001510.2); c.245-25708T>C (NM_001286838.1); short protein forms I97T.
Identifiers: ClinVar variation 726497 (VCV000726497.11), dbSNP rs202203896, ClinGen allele CA3011933.